The following is an entry in ClinVar:

ClinVar aggregate classification (germline): Conflicting classifications of pathogenicity. Review status: criteria provided, conflicting classifications (1 of 4 stars). 13 submissions from 12 submitters: Uncertain significance (8); Benign (1); Likely benign (2). 2 of the submissions do not count toward it. Last evaluated 2026-04-16.

Conditions:
Multiple endocrine neoplasia, type 2 (MEN2). Identifiers: Orphanet 653, MedGen C4048306, MONDO:0019003. Disease mechanism: gain of function.
Hereditary cancer-predisposing syndrome. Also called: Tumor predisposition; Neoplastic Syndromes, Hereditary; Hereditary neoplastic syndrome; Hereditary Cancer Syndrome. Identifiers: Orphanet 140162, MedGen C0027672, MeSH D009386, MONDO:0015356.
Hirschsprung disease, susceptibility to, 1 (HSCR1). Also called: RET-Related Hirschsprung Disease. Identifiers: Orphanet 388, MedGen C3888239, MONDO:0007723, OMIM 142623.
Multiple endocrine neoplasia type 2B. Also called: MULTIPLE ENDOCRINE NEOPLASIA, TYPE IIB; Multiple Endocrine Neoplasia Type 2B (MEN2B); WAGENMANN-FROBOESE SYNDROME; MULTIPLE ENDOCRINE NEOPLASIA, TYPE III; Multiple endocrine neoplasia, type 3; MEN IIB. Identifiers: Orphanet 247709, Orphanet 653, MedGen C0025269, MeSH D018814, MONDO:0008082, OMIM 162300.
Multiple endocrine neoplasia type 2A. Also called: Multiple Endocrine Neoplasia Type 2A (MEN2A); MULTIPLE ENDOCRINE NEOPLASIA, TYPE IIA; PTC SYNDROME; SIPPLE SYNDROME; MEN 2A; MEN-2A syndrome. Identifiers: Orphanet 247698, Orphanet 653, MedGen C0025268, MeSH D018813, MONDO:0008234, OMIM 171400.

Allele frequency attached by ClinVar (database versions not stated): gnomAD exomes 0.00002 and 0.00001; ExAC 0.00004; gnomAD 0.00006 and 0.00005; TOPMed 0.00007.
gnomAD v4.1: 20 of 1,611,026 alleles (0.0012%); highest among the groups gnomAD compares: East Asian, 0.018%; no homozygotes.

Submissions (13):

Women's Health and Genetics/Laboratory Corporation of America, LabCorp
Classification: Uncertain significance. Last evaluated: 2026-04-16. Review status: criteria provided, single submitter. Criteria: LabCorp Variant Classification Summary - May 2015. Collection method: clinical testing. Allele origin: germline.
Comment: Variant summary: RET c.2116G>A (p.Val706Met) results in a conservative amino acid change in the encoded protein sequence. Algorithms developed to predict the effect of missense changes on protein structure and function are either unavailable or do not agree on the potential impact of this missense change. The variant allele was found at a frequency of 2e-05 in 247968 control chromosomes (gnomAD). The available data on variant occurrences in the general population are insufficient to allow any conclusion about variant significance. c.2116G>A has been observed in individuals affected with breast or endometrial cancer (e.g. Huang_2018, de Oliveira_2022, Guindalini_2022). These reports do not provide unequivocal conclusions about association of the variant with Hirschsprung Disease, Susceptibility To, 1. To our knowledge, no experimental evidence demonstrating an impact on protein function has been reported. The following publications have been ascertained in the context of this evaluation (PMID: 29625052, 35534704, 35264596). ClinVar contains an entry for this variant (Variation ID: 372079). Based on the evidence outlined above, the variant was classified as uncertain significance.

Labcorp Genetics (formerly Invitae), Labcorp
Classification: Uncertain significance for Multiple endocrine neoplasia, type 2. Last evaluated: 2026-01-16. Review status: criteria provided, single submitter. Criteria: Invitae Variant Classification Sherloc (09022015). Collection method: clinical testing. Allele origin: germline.
Comment: This sequence change replaces valine, which is neutral and non-polar, with methionine, which is neutral and non-polar, at codon 706 of the RET protein (p.Val706Met). This variant is present in population databases (rs137855422, gnomAD 0.02%). This missense change has been observed in individual(s) with endometrial cancer and/or breast cancer (PMID: 29625052, 35264596, 36451132). ClinVar contains an entry for this variant (Variation ID: 372079). An algorithm developed to predict the effect of missense changes on protein structure and function (PolyPhen-2) suggests that this variant is likely to be disruptive. In summary, the available evidence is currently insufficient to determine the role of this variant in disease. Therefore, it has been classified as a Variant of Uncertain Significance.

GeneDx
Classification: Uncertain significance. Last evaluated: 2025-08-24. Review status: criteria provided, single submitter. Criteria: GeneDx Variant Classification Process June 2021. Collection method: clinical testing. Allele origin: germline.
Comment: Not observed at significant frequency in large population cohorts (gnomAD); In silico analysis suggests that this missense variant does not alter protein structure/function; This variant is associated with the following publications: (PMID: 29625052, 24336963, 27683183, 34741450, 34014604, 35264596, 36451132, 14633923, 35534704)

Color Diagnostics, LLC DBA Color Health
Classification: Likely benign for Multiple endocrine neoplasia, type 2. Last evaluated: 2025-07-05. Review status: criteria provided, single submitter. Criteria: ACMG Guidelines, 2015. Collection method: clinical testing. Allele origin: germline.

Quest Diagnostics Nichols Institute San Juan Capistrano
Classification: Uncertain significance. Last evaluated: 2024-10-18. Review status: criteria provided, single submitter. Criteria: Quest Diagnostics criteria. Collection method: clinical testing. Allele origin: unknown.
Comment: The RET c.2116G>A (p.Val706Met) variant has been reported in the published literature in in individuals with breast cancer (PMID: 35264596 (2022), 35534704 (2022)) and uterine corpus endometrial carcinoma (PMID: 36451132 (2022)). The frequency of this variant in the general population, 0.00019 (3/16072 chromosomes (Genome Aggregation Database)), is uninformative in the assessment of its pathogenicity. Analysis of this variant using bioinformatics tools for the prediction of the effect of amino acid changes on protein structure and function yielded predictions that this variant is benign. Based on the available information, we are unable to determine the clinical significance of this variant.

Myriad Genetics, Inc.
Classification: Likely benign for Multiple endocrine neoplasia type 2A. Last evaluated: 2024-08-12. Review status: criteria provided, single submitter. Criteria: Myriad Autosomal Dominant, Autosomal Recessive and X-Linked Classification Criteria (2023). Collection method: clinical testing. Allele origin: unknown.
Comment: This variant is considered likely benign. This variant has been observed at a population frequency that is significantly greater than expected given the associated disease prevalence and penetrance.

All of Us Research Program, National Institutes of Health
Classification: Uncertain significance for Multiple endocrine neoplasia, type 2. Last evaluated: 2024-02-05. Review status: criteria provided, single submitter. Criteria: ACMG Guidelines, 2015. Collection method: clinical testing. Allele origin: germline. Inheritance: Autosomal dominant inheritance. Observed: 8 variant alleles, 8 heterozygotes.
Comment: This missense variant replaces valine with methionine at codon 706 of the RET protein. Computational prediction suggests that this variant may not impact protein structure and function (internally defined REVEL score threshold <= 0.5, PMID: 27666373). To our knowledge, functional studies have not been reported for this variant. This variant has been reported in an individual affected with cervical adenocarcinoma (PMID: 27683183). This variant has been identified in 5/247968 chromosomes in the general population by the Genome Aggregation Database (gnomAD). The available evidence is insufficient to determine the role of this variant in disease conclusively. Therefore, this variant is classified as a Variant of Uncertain Significance.

This study involves interpretation of variants in research participants for the purpose of population health screening. Participant phenotype was not available at the time of variant classification. Additional details can be found in publication PMID: 35346344, PMCID: PMC8962531

Baylor Genetics
Classification: Uncertain significance for Hirschsprung disease, susceptibility to, 1. Last evaluated: 2024-01-21. Review status: criteria provided, single submitter. Criteria: ACMG Guidelines, 2015. Collection method: clinical testing. Allele origin: unknown.

Revvity Omics, Revvity
Classification: Uncertain significance. Last evaluated: 2023-12-20. Review status: criteria provided, single submitter. Criteria: ACMG Guidelines, 2015. Collection method: clinical testing. Allele origin: germline.

Ambry Genetics
Classification: Benign for Hereditary cancer-predisposing syndrome. Last evaluated: 2023-03-12. Review status: criteria provided, single submitter. Criteria: Ambry Variant Classification Scheme 2023. Collection method: clinical testing. Allele origin: germline.

Mendelics
Classification: Uncertain significance for Multiple endocrine neoplasia, type 2a. Last evaluated: 2018-07-02. Review status: criteria provided, single submitter. Criteria: Mendelics Assertion Criteria 2017. Collection method: clinical testing. Allele origin: unknown.

Counsyl
Classification: Uncertain significance for Multiple endocrine neoplasia type 2B. Last evaluated: 2015-12-28. Review status: no assertion criteria provided. Collection method: clinical testing. Allele origin: unknown. Not counted in ClinVar's aggregate classification.

Counsyl
Classification: Uncertain significance for Multiple endocrine neoplasia type 2A. Last evaluated: 2015-12-28. Review status: no assertion criteria provided. Collection method: clinical testing. Allele origin: unknown. Not counted in ClinVar's aggregate classification.

Literature cited by the submitters: PubMed 29625052 (cited by 3 submitters); PubMed 35264596 (cited by 3 submitters); PubMed 35534704 (cited by Women's Health and Genetics/Laboratory Corporation of America, LabCorp and Quest Diagnostics Nichols Institute San Juan Capistrano); PubMed 36451132 (cited by Labcorp Genetics (formerly Invitae), Labcorp and Quest Diagnostics Nichols Institute San Juan Capistrano); PubMed 24336963 (cited by Quest Diagnostics Nichols Institute San Juan Capistrano and Counsyl); PubMed 27683183 (cited by 3 submitters).

NM_020975.6(RET):c.2116G>A (p.Val706Met)

Gene: RET (ret proto-oncogene; plus strand). Cytogenetic location: 10q11.21.
Variant type: single nucleotide variant.
Coding change: c.2116G>A on transcript NM_020975.6 (MANE Select); coding-DNA position 2116, G replaced by A.
Protein change: p.Val706Met; replaces valine 706 with methionine.
Molecular consequence: missense variant.
Genome position (GRCh38, 1-based): chr10:43,114,716, G>A. VCF-style: chr10-43114716-G-A. GRCh37 (hg19) VCF-style: chr10-43610164-G-A.
Other names: c.2116G>A, p.Val706Met (NM_001406743.1, NM_001406744.1, NM_001406759.1 and 4 more transcripts); c.1987G>A, p.Val663Met (NM_001406761.1, NM_001406762.1, NM_001406764.1); c.1981G>A, p.Val661Met (NM_001406763.1, NM_001406765.1); c.1828G>A, p.Val610Met (NM_001406766.1, NM_001406767.1, NM_001406770.1); c.1390G>A, p.Val464Met (NM_001406776.1, NM_001406777.1, NM_001406778.1 and 1 more transcripts); c.1219G>A, p.Val407Met (NM_001406779.1, NM_001406780.1, NM_001406781.1 and 1 more transcripts); c.1090G>A, p.Val364Met (NM_001406783.1, NM_001406786.1); c.1126G>A, p.Val376Met (NM_001406784.1); and 10 more; short protein forms V706M, V452M, V376M, V610M, V618M, V661M, V663M, V223M.
Identifiers: ClinVar variation 372079 (VCV000372079.27), dbSNP rs137855422, ClinGen allele CA037364.
Genomic context (GRCh38, chr10:43,114,716, plus strand): 5'-AGCTACTCCTCTTCCGGTGCCCGCCGGCCCTCGCTGGACTCCATGGAGAACCAGGTCTCC[G>A]TGGATGCCTTCAAGATCCTGGTGAGGGTCCCTGCGGGGCAGGGAAGATCCCCTGCCCTCC-3'
Protein context (NP_066124.1, residues 696-716): SLDSMENQVS[Val706Met]DAFKILEDPK